The following is an entry in ClinVar:

NM_000059.4(BRCA2):c.1689del (p.Trp563fs)

Gene: BRCA2 (BRCA2 DNA repair associated; plus strand). Cytogenetic location: 13q13.1.
Variant type: Deletion.
Coding change: c.1689del on transcript NM_000059.4 (MANE Select); coding-DNA position 1689, one base deleted (G; older notation c.1689delG).
Protein change: p.Trp563fs; shifts the reading frame from tryptophan 563.
Molecular consequence: frameshift variant.
Genome position (GRCh38, 1-based): chr13:32,333,167, G deleted; the last of 2 consecutive G bases (chr13:32,333,166-32,333,167); deleting either gives the same sequence. VCF-style (leftmost placement, unchanged base first): chr13-32333165-TG-T. GRCh37 (hg19) VCF-style: chr13-32907302-TG-T.
Other names: c.1689delG (NM_000059.3); short protein forms W563fs.
Identifiers: ClinVar variation 231646 (VCV000231646.12), dbSNP rs876659278, ClinGen allele CA10579502.
Genomic context (GRCh38, chr13:32,333,165, plus strand): 5'-CATACTGTTTGCTCACAGAAGGAGGACTCCTTATGTCCAAATTTAATTGATAATGGAAGC[TG>T]GCCAGCCACCACCACACAGAATTCTGTAGCTTTGAAGAATGCAGGTTTAATATCCACTTT-3'

ClinVar aggregate classification (germline): Pathogenic. Review status: reviewed by expert panel (3 of 4 stars). 4 submissions from 4 submitters: Pathogenic (1). 3 of the submissions do not count toward it. Last evaluated 2017-12-15.

Conditions:
Hereditary cancer-predisposing syndrome. Also called: Hereditary Cancer Syndrome; Neoplastic Syndromes, Hereditary; Tumor predisposition; Hereditary neoplastic syndrome. Identifiers: Orphanet 140162, MedGen C0027672, MeSH D009386, MONDO:0015356.
Breast-ovarian cancer, familial, susceptibility to, 2 (BROVCA2). Also called: BRCA2 Hereditary Breast and Ovarian Cancer. Identifiers: Orphanet 145, MedGen C2675520, MONDO:0012933, OMIM 612555. Disease mechanism: loss of function.
Hereditary breast ovarian cancer syndrome. Also called: Hereditary breast and/or ovarian cancer syndrome; BRCA1- and BRCA2-Associated Hereditary Breast and Ovarian Cancer; Hereditary breast and ovarian cancer syndrome (HBOC); Hereditary breast and ovarian cancer; Hereditary breast and ovarian cancer syndrome; Breast and ovarian cancer. Identifiers: Orphanet 145, MedGen C0677776, MeSH D061325, MONDO:0003582. Disease mechanism: loss of function.

Submissions (4):

Evidence-based Network for the Interpretation of Germline Mutant Alleles (ENIGMA)
Classification: Pathogenic for Breast-ovarian cancer, familial, susceptibility to, 2. Last evaluated: 2017-12-15. Review status: reviewed by expert panel. Criteria: ENIGMA BRCA1/2 Classification Criteria (2017-06-29). Collection method: curation. Allele origin: germline. Study: ENIGMA.
Comment: Variant allele predicted to encode a truncated non-functional protein.

Ambry Genetics
Classification: Pathogenic for Hereditary cancer-predisposing syndrome. Last evaluated: 2025-08-28. Review status: criteria provided, single submitter. Criteria: Ambry Variant Classification Scheme 2023. Collection method: clinical testing. Allele origin: germline. Not counted in ClinVar's aggregate classification.
Comment: The c.1689delG pathogenic mutation, located in coding exon 9 of the BRCA2 gene, results from a deletion of one nucleotide at nucleotide position 1689, causing a translational frameshift with a predicted alternate stop codon (p.W563Cfs*10). This variant is considered to be rare based on population cohorts in the Genome Aggregation Database (gnomAD). This alteration is expected to result in loss of function by premature protein truncation or nonsense-mediated mRNA decay. As such, this alteration is interpreted as a disease-causing mutation.

Labcorp Genetics (formerly Invitae), Labcorp
Classification: Pathogenic for Hereditary breast ovarian cancer syndrome. Last evaluated: 2023-12-31. Review status: criteria provided, single submitter. Criteria: Invitae Variant Classification Sherloc (09022015). Collection method: clinical testing. Allele origin: germline. Not counted in ClinVar's aggregate classification.
Comment: This sequence change creates a premature translational stop signal (p.Trp563Cysfs*10) in the BRCA2 gene. It is expected to result in an absent or disrupted protein product. Loss-of-function variants in BRCA2 are known to be pathogenic (PMID: 20104584). This variant is not present in population databases (gnomAD no frequency). This premature translational stop signal has been observed in individual(s) with breast cancer (PMID: 28294317). ClinVar contains an entry for this variant (Variation ID: 231646). For these reasons, this variant has been classified as Pathogenic.

Myriad Genetics, Inc.
Classification: Pathogenic for Breast-ovarian cancer, familial, susceptibility to, 2. Last evaluated: 2023-09-06. Review status: criteria provided, single submitter. Criteria: Myriad Autosomal Dominant, Autosomal Recessive and X-Linked Classification Criteria (2023). Collection method: clinical testing. Allele origin: unknown. Not counted in ClinVar's aggregate classification.
Comment: This variant is considered pathogenic. This variant creates a frameshift predicted to result in premature protein truncation.

Literature cited by the submitters: PubMed 20104584 (cited by Labcorp Genetics (formerly Invitae), Labcorp); PubMed 28294317 (cited by Labcorp Genetics (formerly Invitae), Labcorp).